The following is an entry in ClinVar:

NM_032447.5(FBN3):c.7525T>C (p.Phe2509Leu)

Gene: FBN3 (fibrillin 3; minus strand). Cytogenetic location: 19p13.2.
Variant type: single nucleotide variant.
Coding change: c.7525T>C on transcript NM_032447.5 (MANE Select); coding-DNA position 7525, T replaced by C.
Protein change: p.Phe2509Leu; replaces phenylalanine 2509 with leucine.
Molecular consequence: missense variant.
Genome position (GRCh38, 1-based): chr19:8,075,340, A>G on the plus strand (T>C on the coding strand, the complement: FBN3 is on the minus strand). VCF-style: chr19-8075340-A-G. GRCh37 (hg19) VCF-style: chr19-8140224-A-G.
Other names: c.7525T>C, p.Phe2509Leu (NM_001321431.2); short protein forms F2509L.
Identifiers: ClinVar variation 3357776 (VCV003357776.2).

ClinVar aggregate classification (germline): Uncertain significance. Review status: criteria provided, single submitter (1 of 4 stars). 2 submissions from 2 submitters: Uncertain significance (1). 1 of the submissions does not count toward it. Last evaluated 2025-07-08.

Conditions:
FBN3-related disorder. Also called: FBN3-related condition.

Submissions (2):

Labcorp Genetics (formerly Invitae), Labcorp
Classification: Uncertain significance. Last evaluated: 2025-07-08. Review status: criteria provided, single submitter. Criteria: Invitae Variant Classification Sherloc (09022015). Collection method: clinical testing. Allele origin: germline.
Comment: This sequence change replaces phenylalanine, which is neutral and non-polar, with leucine, which is neutral and non-polar, at codon 2509 of the FBN3 protein (p.Phe2509Leu). This variant is not present in population databases (gnomAD no frequency). This variant has not been reported in the literature in individuals affected with FBN3-related conditions. ClinVar contains an entry for this variant (Variation ID: 3357776). Invitae Evidence Modeling of protein sequence and biophysical properties (such as structural, functional, and spatial information, amino acid conservation, physicochemical variation, residue mobility, and thermodynamic stability) indicates that this missense variant is not expected to disrupt FBN3 protein function with a negative predictive value of 80%. In summary, the available evidence is currently insufficient to determine the role of this variant in disease. Therefore, it has been classified as a Variant of Uncertain Significance.

PreventionGenetics, part of Exact Sciences
Classification: Uncertain significance for FBN3-related condition. Last evaluated: 2024-08-28. Review status: no assertion criteria provided. Collection method: clinical testing. Allele origin: germline. Not counted in ClinVar's aggregate classification.
Comment: The FBN3 c.7525T>C variant is predicted to result in the amino acid substitution p.Phe2509Leu. To our knowledge, this variant has not been reported in the literature or in a large population database, indicating this variant is rare. At this time, the clinical significance of this variant is uncertain due to the absence of conclusive functional and genetic evidence.